The following is an entry in ClinVar:

ClinVar aggregate classification (germline): Uncertain significance (1 of 4 stars; one submission).

Allele frequency attached by ClinVar (database versions not stated): gnomAD 0.00001.

Submission:

Labcorp Genetics (formerly Invitae), Labcorp
Classification: Uncertain significance. Last evaluated: 2023-04-29. Review status: criteria provided, single submitter. Criteria: Invitae Variant Classification Sherloc (09022015). Collection method: clinical testing. Allele origin: germline.
Comment: ClinVar contains an entry for this variant (Variation ID: 1721698). This sequence change replaces alanine, which is neutral and non-polar, with threonine, which is neutral and polar, at codon 205 of the TNFRSF11B protein (p.Ala205Thr). This variant is present in population databases (no rsID available, gnomAD 0.003%). This variant has not been reported in the literature in individuals affected with TNFRSF11B-related conditions. Advanced modeling of protein sequence and biophysical properties (such as structural, functional, and spatial information, amino acid conservation, physicochemical variation, residue mobility, and thermodynamic stability) performed at Invitae indicates that this missense variant is not expected to disrupt TNFRSF11B protein function. In summary, the available evidence is currently insufficient to determine the role of this variant in disease. Therefore, it has been classified as a Variant of Uncertain Significance.

NM_002546.4(TNFRSF11B):c.613G>A (p.Ala205Thr)

Gene: TNFRSF11B (TNF receptor superfamily member 11b; minus strand). Cytogenetic location: 8q24.12.
Variant type: single nucleotide variant.
Coding change: c.613G>A on transcript NM_002546.4 (MANE Select); coding-DNA position 613, G replaced by A.
Protein change: p.Ala205Thr; replaces alanine 205 with threonine.
Molecular consequence: missense variant.
Genome position (GRCh38, 1-based): chr8:118,926,698, C>T on the plus strand (G>A on the coding strand, the complement: TNFRSF11B is on the minus strand). VCF-style: chr8-118926698-C-T. GRCh37 (hg19) VCF-style: chr8-119938937-C-T.
Other names: short protein forms A205T.
Identifiers: ClinVar variation 1721698 (VCV001721698.5), dbSNP rs1273535537, ClinGen allele CA371919560.